The following is an entry in ClinVar:

ClinVar aggregate classification (germline): Uncertain significance (1 of 4 stars; one submission).

Conditions:
Hereditary cancer-predisposing syndrome. Also called: Tumor predisposition; Hereditary neoplastic syndrome; Hereditary Cancer Syndrome; Neoplastic Syndromes, Hereditary. Identifiers: Orphanet 140162, MedGen C0027672, MeSH D009386, MONDO:0015356.

Submission:

Ambry Genetics
Classification: Uncertain significance for Hereditary cancer-predisposing syndrome. Last evaluated: 2023-09-22. Review status: criteria provided, single submitter. Criteria: Ambry Variant Classification Scheme 2023. Collection method: clinical testing. Allele origin: germline.
Comment: The p.R76K variant (also known as c.227G>A), located in coding exon 4 of the MAX gene, results from a G to A substitution at nucleotide position 227. The arginine at codon 76 is replaced by lysine, an amino acid with highly similar properties. This amino acid position is conserved. In addition, the in silico prediction for this alteration is inconclusive. Since supporting evidence is limited at this time, the clinical significance of this alteration remains unclear.

NM_002382.5(MAX):c.227G>A (p.Arg76Lys)

Gene: MAX (MYC associated transcriptional regulator X; minus strand). Cytogenetic location: 14q23.3.
Variant type: single nucleotide variant.
Coding change: c.227G>A on transcript NM_002382.5 (MANE Select); coding-DNA position 227, G replaced by A.
Protein change: p.Arg76Lys; replaces arginine 76 with lysine.
Molecular consequence: missense variant. On other transcripts: 5 prime UTR variant (6), non-coding transcript variant (7), intron variant (2).
Genome position (GRCh38, 1-based): chr14:65,077,981, C>T on the plus strand (G>A on the coding strand, the complement: MAX is on the minus strand). VCF-style: chr14-65077981-C-T. GRCh37 (hg19) VCF-style: chr14-65544699-C-T.
Other names: c.-48G>A (NM_001320415.2, NM_001407105.1, NM_001407106.1 and 1 more transcripts); c.227G>A, p.Arg76Lys (NM_001407094.1, NM_001407096.1, NM_001407097.1 and 3 more transcripts); c.200G>A, p.Arg67Lys (NM_001407095.1, NM_001407099.1, NM_001407100.1 and 6 more transcripts); c.119G>A, p.Arg40Lys (NM_001407098.1); c.-141G>A (NM_001407111.1, NM_001407112.1); c.144+15727G>A (NM_001271069.2); c.171+15727G>A (NM_197957.4); short protein forms R40K, R67K, R76K.
Identifiers: ClinVar variation 3222153 (VCV003222153.1), dbSNP rs2139754387, ClinGen allele CA390035727.